The following is an entry in ClinVar:

NM_000540.3(RYR1):c.9262G>C (p.Val3088Leu)

Gene: RYR1 (ryanodine receptor 1; plus strand). Cytogenetic location: 19q13.2.
Variant type: single nucleotide variant.
Coding change: c.9262G>C on transcript NM_000540.3 (MANE Select); coding-DNA position 9262, G replaced by C.
Protein change: p.Val3088Leu; replaces valine 3088 with leucine.
Molecular consequence: missense variant.
Genome position (GRCh38, 1-based): chr19:38,512,273, G>C. VCF-style: chr19-38512273-G-C. GRCh37 (hg19) VCF-style: chr19-39002913-G-C.
Other names: c.9262G>C, p.Val3088Leu (NM_001042723.2); short protein forms V3088L.
Identifiers: ClinVar variation 93307 (VCV000093307.7), dbSNP rs145044872, ClinGen allele CA024975.

ClinVar aggregate classification (germline): Uncertain significance. Review status: criteria provided, multiple submitters, no conflicts (2 of 4 stars). 2 submissions from 2 submitters: Uncertain significance (2). Last evaluated 2024-01-11.

Conditions:
Malignant hyperthermia, susceptibility to, 1 (MHS1). Also called: Malignant hyperthermia suceptibility 1; Anesthesia related hyperthermia; Malignant hyperpyrexia; Fulminating hyperpyrexia; Pharmacogenic myopathy; RYR1-Related Malignant Hyperthermia Susceptibility. Identifiers: Orphanet 423, MedGen C2930980, MONDO:0007783, OMIM 145600.

Allele frequency attached by ClinVar (database versions not stated): TOPMed 0.00001.
gnomAD v4.1: 3 of 1,614,234 alleles (0.00019%); highest among the groups gnomAD compares: South Asian, 0.0022%; no homozygotes.

Submissions (2):

All of Us Research Program, National Institutes of Health
Classification: Uncertain significance for Malignant hyperthermia, susceptibility to, 1. Last evaluated: 2024-01-11. Review status: criteria provided, single submitter. Criteria: ACMG Guidelines, 2015. Collection method: clinical testing. Allele origin: germline. Inheritance: Autosomal dominant inheritance. Observed: 1 variant allele, 1 heterozygote.
Comment: This study involves interpretation of variants in research participants for the purpose of population health screening. Participant phenotype was not available at the time of variant classification. Additional details can be found in publication PMID: 35346344, PMCID: PMC8962531

Eurofins Ntd Llc (ga)
Classification: Uncertain significance. Last evaluated: 2013-03-01. Review status: criteria provided, single submitter. Criteria: EGL Classification Definitions 2015. Collection method: clinical testing. Allele origin: germline. Observed: 2 variant alleles, 2 heterozygotes.